The following is an entry in ClinVar:

NM_001374353.1(GLI2):c.3592G>A (p.Gly1198Ser)

Gene: GLI2 (GLI family zinc finger 2; plus strand). Cytogenetic location: 2q14.2.
Variant type: single nucleotide variant.
Coding change: c.3592G>A on transcript NM_001374353.1 (MANE Select); coding-DNA position 3592, G replaced by A.
Protein change: p.Gly1198Ser; replaces glycine 1198 with serine.
Molecular consequence: missense variant.
Genome position (GRCh38, 1-based): chr2:120,989,557, G>A. VCF-style: chr2-120989557-G-A. GRCh37 (hg19) VCF-style: chr2-121747133-G-A.
Other names: c.3643G>A, p.Gly1215Ser (NM_001371271.1, NM_005270.5); c.3217G>A, p.Gly1073Ser (NM_001374354.1); short protein forms G1215S, G1073S, G1198S.
Identifiers: ClinVar variation 3100180 (VCV003100180.3), dbSNP rs149554935, ClinGen allele CA1852445.
Genomic context (GRCh38, chr2:120,989,557, plus strand): 5'-CCTGGGGGCCTGGACAGCACGCAGCCACACCTGCAGCCCCGCAGCGGAGCCCCCTCCCAG[G>A]GCATCCCCAGGGTAAACTACATGCAGCAGCTGCGACAGCCAGTGGCAGGCAGCCAGTGTC-3'
Protein context (NP_001361282.1, residues 1188-1208): LQPRSGAPSQ[Gly1198Ser]IPRVNYMQQL

ClinVar aggregate classification (germline): Conflicting classifications of pathogenicity. Review status: criteria provided, conflicting classifications (1 of 4 stars). 2 submissions from 2 submitters: Uncertain significance (1); Likely benign (1). Last evaluated 2026-01-25.

Conditions:
Inborn genetic diseases. Identifiers: MedGen C0950123, MeSH D030342.
Holoprosencephaly 9 (HPE9). Also called: PITUITARY ANOMALIES WITH HOLOPROSENCEPHALY-LIKE FEATURES; HOLOPROSENCEPHALY WITH MICROPHTHALMIA AND FIRST BRANCHIAL ARCH ANOMALIES. Identifiers: Orphanet 2162, MedGen C1835819, MONDO:0012563, OMIM 610829.
Postaxial polydactyly-anterior pituitary anomalies-facial dysmorphism syndrome. Also called: Culler-Jones syndrome. Identifiers: Orphanet 420584, MedGen C4014479, MONDO:0014369, OMIM 615849.

Allele frequency attached by ClinVar (database versions not stated): ExAC 0.00004; 1000 Genomes Project 30x 0.00031; gnomAD 0.00018; ESP Exome Variant Server 0.00015; TOPMed 0.00023; 1000 Genomes Project 0.00040.
gnomAD v4.1: 49 of 1,612,952 alleles (0.003%); highest among the groups gnomAD compares: African/African-American, 0.044%; no homozygotes.

Submissions (2):

Labcorp Genetics (formerly Invitae), Labcorp
Classification: Uncertain significance for Postaxial polydactyly-anterior pituitary anomalies-facial dysmorphism syndrome; Holoprosencephaly 9. Last evaluated: 2026-01-25. Review status: criteria provided, single submitter. Criteria: Invitae Variant Classification Sherloc (09022015). Collection method: clinical testing. Allele origin: germline.
Comment: This sequence change replaces glycine, which is neutral and non-polar, with serine, which is neutral and polar, at codon 1215 of the GLI2 protein (p.Gly1215Ser). This variant is present in population databases (rs149554935, gnomAD 0.03%). This variant has not been reported in the literature in individuals affected with GLI2-related conditions. ClinVar contains an entry for this variant (Variation ID: 3100180). Invitae Evidence Modeling of protein sequence and biophysical properties (such as structural, functional, and spatial information, amino acid conservation, physicochemical variation, residue mobility, and thermodynamic stability) indicates that this missense variant is not expected to disrupt GLI2 protein function with a negative predictive value of 80%. In summary, the available evidence is currently insufficient to determine the role of this variant in disease. Therefore, it has been classified as a Variant of Uncertain Significance.

Ambry Genetics
Classification: Likely benign for Inborn genetic diseases. Last evaluated: 2024-01-08. Review status: criteria provided, single submitter. Criteria: Ambry Variant Classification Scheme 2023. Collection method: clinical testing. Allele origin: germline.